The following is an entry in ClinVar:

ClinVar aggregate classification (germline): Uncertain significance (1 of 4 stars; one submission).

Conditions:
Familial thoracic aortic aneurysm and aortic dissection (TAAD). Also called: Thoracic aortic aneurysms and dissections. Identifiers: Orphanet 91387, MedGen C4707243, MONDO:0019625.

Submission:

Color Diagnostics, LLC DBA Color Health
Classification: Uncertain significance for Familial thoracic aortic aneurysm and aortic dissection. Last evaluated: 2024-03-06. Review status: criteria provided, single submitter. Criteria: ACMG Guidelines, 2015. Collection method: clinical testing. Allele origin: germline.
Comment: This missense variant replaces proline with alanine at codon 404 of the FBN1 protein. Computational prediction suggests that this variant may not impact protein structure and function (internally defined REVEL score threshold <= 0.5, PMID: 27666373). To our knowledge, functional studies have not been reported for this variant. This variant has not been reported in individuals affected with cardiovascular disorders in the literature. This variant has not been identified in the general population by the Genome Aggregation Database (gnomAD). The available evidence is insufficient to determine the role of this variant in disease conclusively. Therefore, this variant is classified as a Variant of Uncertain Significance.

NM_000138.5(FBN1):c.1210C>G (p.Pro404Ala)

Gene: FBN1 (fibrillin 1; minus strand). Cytogenetic location: 15q21.1.
Variant type: single nucleotide variant.
Coding change: c.1210C>G on transcript NM_000138.5 (MANE Select); coding-DNA position 1210, C replaced by G.
Protein change: p.Pro404Ala; replaces proline 404 with alanine.
Molecular consequence: missense variant.
Genome position (GRCh38, 1-based): chr15:48,516,300, G>C on the plus strand (C>G on the coding strand, the complement: FBN1 is on the minus strand). VCF-style: chr15-48516300-G-C. GRCh37 (hg19) VCF-style: chr15-48808497-G-C.
Other names: short protein forms P404A.
Identifiers: ClinVar variation 918803 (VCV000918803.4), dbSNP rs2043801000, ClinGen allele CA392345614.